The following is an entry in ClinVar:

NM_000433.4(NCF2):c.290C>A (p.Ala97Asp)

Gene: NCF2 (neutrophil cytosolic factor 2; minus strand). Cytogenetic location: 1q25.3.
Variant type: single nucleotide variant.
Coding change: c.290C>A on transcript NM_000433.4 (MANE Select); coding-DNA position 290, C replaced by A.
Protein change: p.Ala97Asp; replaces alanine 97 with aspartic acid.
Molecular consequence: missense variant.
Genome position (GRCh38, 1-based): chr1:183,577,675, G>T on the plus strand (C>A on the coding strand, the complement: NCF2 is on the minus strand). VCF-style: chr1-183577675-G-T. GRCh37 (hg19) VCF-style: chr1-183546810-G-T.
Other names: c.290C>A, p.Ala97Asp (NM_001127651.3, NM_001190789.2, NM_001190794.2 and 1 more transcripts); short protein forms A97D.
Identifiers: ClinVar variation 3064849 (VCV003064849.2), dbSNP rs755222977, ClinGen allele CA343679471.

ClinVar aggregate classification (germline): Conflicting classifications of pathogenicity. Review status: criteria provided, conflicting classifications (1 of 4 stars). 2 submissions from 2 submitters: Likely pathogenic (1); Uncertain significance (1). Last evaluated 2024-11-26.

Conditions:
Granulomatous disease, chronic, autosomal recessive, cytochrome b-positive, type 2. Also called: GRANULOMATOUS DISEASE, CHRONIC, DUE TO NCF2 DEFICIENCY; CGD, AUTOSOMAL RECESSIVE CYTOCHROME b-POSITIVE, TYPE II; Chronic granulomatous disease due to deficiency of NCF-2; Chronic Granulomatous Disease, Autosomal Recessive, Cytochrome b-Positive, Type II; GRANULOMATOUS DISEASE, CHRONIC, AUTOSOMAL RECESSIVE, 2. Identifiers: Orphanet 379, MedGen C1856245, MONDO:0009310, OMIM 233710.

Submissions (2):

3billion
Classification: Uncertain significance for Granulomatous disease, chronic, autosomal recessive, cytochrome b-positive, type 2. Last evaluated: 2024-11-26. Review status: criteria provided, single submitter. Criteria: ACMG Guidelines, 2015. Collection method: clinical testing. Allele origin: germline. Affected: yes.
Comment: The variant is not observed in the gnomAD v4.1.0 dataset. Predicted Consequence/Location: Missense variant. The majority of the known disease-causing variants of this gene are variants expected to result in premature termination of the protein. In silico tool predictions suggest damaging effect of the variant on gene or gene product [REVEL: 0.81 (>=0.6, sensitivity 0.68 and specificity 0.92); 3Cnet: 0.45 (>=0.6, sensitivity 0.72 and precision 0.9)]. The same nucleotide change resulting in the same amino acid change has been previously reported to be associated with NCF2 related disorder (ClinVar ID: VCV003064849 /PMID: 32281309).A different missense change at the same codon (p.Ala97Pro) has been reported to be associated with NCF2 related disorder (PMID: 35728702). However the evidence of pathogenicity is insufficient at this time. Therefore, this variant is classified as VUS according to the recommendation of ACMG/AMP guideline.

Genomic Medicine Center of Excellence, King Faisal Specialist Hospital and Research Centre
Classification: Likely pathogenic for Granulomatous disease, chronic, autosomal recessive, cytochrome b-positive, type 2. Last evaluated: 2024-03-25. Review status: criteria provided, single submitter. Criteria: ACMG Guidelines, 2015. Collection method: clinical testing. Allele origin: germline.

Literature cited by the submitters: PubMed 35728702 (cited by 3billion); PubMed 32281309 (cited by 3billion).